The following is an entry in ClinVar:

NM_004586.3(RPS6KA3):c.602T>C (p.Leu201Pro)

Gene: RPS6KA3 (ribosomal protein S6 kinase A3; minus strand). Cytogenetic location: Xp22.12.
Variant type: single nucleotide variant.
Coding change: c.602T>C on transcript NM_004586.3 (MANE Select); coding-DNA position 602, T replaced by C.
Protein change: p.Leu201Pro; replaces leucine 201 with proline.
Molecular consequence: missense variant.
Genome position (GRCh38, 1-based): chrX:20,188,526, A>G on the plus strand (T>C on the coding strand, the complement: RPS6KA3 is on the minus strand). VCF-style: chrX-20188526-A-G. GRCh37 (hg19) VCF-style: chrX-20206644-A-G.
Other names: short protein forms L201P.
Identifiers: ClinVar variation 3254816 (VCV003254816.1), dbSNP rs2519735957.

ClinVar aggregate classification (germline): Pathogenic (1 of 4 stars; one submission).

Conditions:
Coffin-Lowry syndrome (CLS). Also called: COFFIN-LOWRY SYNDROME, MILD; Mental retardation with osteocartilaginous abnormalities. Identifiers: Orphanet 192, MedGen C0265252, MONDO:0010561, OMIM 303600.

Submission:

Victorian Clinical Genetics Services, Murdoch Childrens Research Institute
Classification: Pathogenic for Coffin-Lowry syndrome. Last evaluated: 2023-07-17. Review status: criteria provided, single submitter. Criteria: ACMG Guidelines, 2015. Collection method: clinical testing. Allele origin: germline. Inheritance: X-linked dominant inheritance. Affected: yes.
Comment: Based on the classification scheme VCGS_Germline_v1.3.4, this variant is classified as Pathogenic. Following criteria are met: 0102 - Loss of function is a known mechanism of disease in this gene and is associated with Coffin-Lowry syndrome (MIM#303600) and intellectual developmental disorder, 19 (MIM#300844). (I) 0110 - This gene is associated with X-linked dominant disease. Females may be severely affected or very mild, with some affected males having inherited their variants from unaffected mothers (PMID: 19888300, PMID: 16879200). (I) 0115 - Variants in this gene are known to have variable expressivity, with intrafamilial variability reported (PMID: 32858545). (I) 0200 - Variant is predicted to result in a missense amino acid change from leucine to proline. (I) 0253 - This variant is hemizygous. (I) 0301 - Variant is absent from gnomAD (both v2 and v3). (SP) 0502 - Missense variant with conflicting in silico predictions and uninformative conservation. (I) 0603 - Missense variant in a region that is highly intolerant to missense variation (high constraint region in DECIPHER). (SP) 0704 - An inframe deletion variant comparable to the variant identified in this case has limited previous evidence for pathogenicity. (SP) 0807 - This variant has no previous evidence of pathogenicity. (I) 0905 - No published segregation evidence has been identified for this variant. (I) 1007 - No published functional evidence has been identified for this variant. (I) 1101 - Very strong and specific phenotype match for this individual. (SP) Legend: (SP) - Supporting pathogenic, (I) - Information, (SB) - Supporting benign

Literature cited by the submitters: PubMed 11180593; PubMed 16879200; PubMed 19888300; PubMed 32858545.